The following is an entry in ClinVar:

ClinVar aggregate classification (germline): Uncertain significance (1 of 4 stars; one submission).

Conditions:
3-methylcrotonyl-CoA carboxylase 1 deficiency (MCC1D). Also called: MCC 1 deficiency; 3 Alpha methylcrotonylglycinuria 1; MCCD TYPE 1; METHYLCROTONYLGLYCINURIA TYPE I. Identifiers: Orphanet 6, MedGen CN028786, MONDO:0008861, OMIM 210200.

Submission:

Laboratorio de Genetica e Diagnostico Molecular, Hospital Israelita Albert Einstein
Classification: Uncertain significance for 3-methylcrotonyl-CoA carboxylase 1 deficiency. Last evaluated: 2025-05-29. Review status: criteria provided, single submitter. Criteria: ACMG Guidelines, 2015. Collection method: clinical testing. Allele origin: germline. Affected: yes.
Comment: ACMG classification criteria: PM2 supporting, PP3 supporting

NM_020166.5(MCCC1):c.1062C>G (p.Asp354Glu)

Gene: MCCC1 (methylcrotonyl-CoA carboxylase subunit 1; minus strand). Cytogenetic location: 3q27.1.
Variant type: single nucleotide variant.
Coding change: c.1062C>G on transcript NM_020166.5 (MANE Select); coding-DNA position 1062, C replaced by G.
Protein change: p.Asp354Glu; replaces aspartic acid 354 with glutamic acid.
Molecular consequence: missense variant. On other transcripts: non-coding transcript variant (2).
Genome position (GRCh38, 1-based): chr3:183,045,434, G>C on the plus strand (C>G on the coding strand, the complement: MCCC1 is on the minus strand). VCF-style: chr3-183045434-G-C. GRCh37 (hg19) VCF-style: chr3-182763222-G-C.
Other names: c.711C>G, p.Asp237Glu (NM_001293273.2); c.735C>G, p.Asp245Glu (NM_001363880.1); short protein forms D237E, D245E, D354E.
Identifiers: ClinVar variation 4846846 (VCV004846846.1).